The following is an entry in ClinVar:

NM_001371596.2(MFSD8):c.761C>T (p.Thr254Ile)

Gene: MFSD8 (major facilitator superfamily domain containing 8; minus strand). Cytogenetic location: 4q28.2.
Variant type: single nucleotide variant.
Coding change: c.761C>T on transcript NM_001371596.2 (MANE Select); coding-DNA position 761, C replaced by T.
Protein change: p.Thr254Ile; replaces threonine 254 with isoleucine.
Molecular consequence: missense variant.
Genome position (GRCh38, 1-based): chr4:127,933,087, G>A on the plus strand (C>T on the coding strand, the complement: MFSD8 is on the minus strand). VCF-style: chr4-127933087-G-A. GRCh37 (hg19) VCF-style: chr4-128854242-G-A.
Other names: c.560C>T, p.Thr187Ile (NM_001363520.3); c.446C>T, p.Thr149Ile (NM_001363521.3); c.626C>T, p.Thr209Ile (NM_001371590.2); c.761C>T, p.Thr254Ile (NM_001371591.2, NM_152778.4); c.767C>T, p.Thr256Ile (NM_001371592.2); c.647C>T, p.Thr216Ile (NM_001371593.2, NM_001410766.1); c.614C>T, p.Thr205Ile (NM_001371594.2); c.479C>T, p.Thr160Ile (NM_001371595.1); and 1 more; short protein forms T216I, T254I, T256I, T104I, T149I, T160I, T187I, T205I.
Identifiers: ClinVar variation 1316489 (VCV001316489.4), dbSNP rs2148882488, ClinGen allele CA358174800.
Genomic context (GRCh38, chr4:127,933,087, plus strand): 5'-ACATTGATGGCCACAACAGCAACCTGGTCAATATTTCCTTGGGGAACCTGAGCTTCATCT[G>A]TACTTGCTATAGGGAAATAGGAGAAAAATTACATTACCTATACATCTAATTTTTCTTATG-3'
Protein context (NP_001358525.1, residues 244-264): CKSINFEEAS[Thr254Ile]DEAQVPQGNI

ClinVar aggregate classification (germline): Uncertain significance (1 of 4 stars; one submission).

gnomAD v4.1: 1 of 1,613,038 alleles (0.000062%); highest among the groups gnomAD compares: Non-Finnish European, 0.000085%; no homozygotes.

Submission:

GeneDx
Classification: Uncertain significance. Last evaluated: 2019-04-12. Review status: criteria provided, single submitter. Criteria: GeneDx Variant Classification Process June 2021. Collection method: clinical testing. Allele origin: germline. Affected: yes.
Comment: Not observed in large population cohorts (Lek et al., 2016); In silico analysis, which includes protein predictors and evolutionary conservation, supports a deleterious effect; Has not been previously published as pathogenic or benign to our knowledge